The following is an entry in ClinVar:

ClinVar aggregate classification (germline): Uncertain significance (1 of 4 stars; one submission).

Conditions:
Long QT syndrome (LQTS). Identifiers: MedGen C0023976, MeSH D008133, MONDO:0002442. Disease mechanism: loss of function. Inheritance: Various modes of inheritance.

gnomAD v4.1: 3 of 1,613,910 alleles (0.00019%); highest among the groups gnomAD compares: Non-Finnish European, 0.00025%; no homozygotes.

Submission:

Labcorp Genetics (formerly Invitae), Labcorp
Classification: Uncertain significance for Long QT syndrome. Last evaluated: 2017-04-21. Review status: criteria provided, single submitter. Criteria: Invitae Variant Classification Sherloc (09022015). Collection method: clinical testing. Allele origin: germline.
Comment: In summary, this variant is a novel missense change with uncertain impact on protein function. It has been classified as a Variant of Uncertain Significance. Algorithms developed to predict the effect of missense changes on protein structure and function do not agree on the potential impact of this missense change (SIFT: "Deleterious"; PolyPhen-2: "Probably Damaging"; Align-GVGD: "Class C0"). This variant is not present in population databases (ExAC no frequency) and has not been reported in the literature in individuals with a ANK2-related disease. This sequence change replaces proline with alanine at codon 622 of the ANK2 protein (p.Pro622Ala). The proline residue is highly conserved and there is a small physicochemical difference between proline and alanine.

NM_001148.6(ANK2):c.1864C>G (p.Pro622Ala)

Gene: ANK2 (ankyrin 2; plus strand). Cytogenetic location: 4q26.
Variant type: single nucleotide variant.
Coding change: c.1864C>G on transcript NM_001148.6 (MANE Select); coding-DNA position 1864, C replaced by G.
Protein change: p.Pro622Ala; replaces proline 622 with alanine.
Molecular consequence: missense variant. On other transcripts: intron variant (10).
Genome position (GRCh38, 1-based): chr4:113,278,541, C>G. VCF-style: chr4-113278541-C-G. GRCh37 (hg19) VCF-style: chr4-114199697-C-G.
Other names: c.1801C>G, p.Pro601Ala (NM_001127493.3, NM_001354239.2, NM_001354243.2 and 10 more transcripts); c.1864C>G, p.Pro622Ala (NM_001354225.2, NM_001354228.2, NM_001354232.2 and 6 more transcripts); c.1909C>G, p.Pro637Ala (NM_001354230.2, NM_001354231.2, NM_001354237.2 and 5 more transcripts); c.1777C>G, p.Pro593Ala (NM_001354249.2, NM_001354264.2, NM_001354266.2 and 10 more transcripts); c.1822C>G, p.Pro608Ala (NM_001354261.2, NM_001386147.1, NM_001386160.1); c.1654C>G, p.Pro552Ala (NM_001354269.3); c.1666C>G, p.Pro556Ala (NM_001354273.2); c.1579C>G, p.Pro527Ala (NM_001354277.2, NM_001386157.1); and 8 more; short protein forms P622A, P601A, P527A, P637A, P593A, P608A, P556A, P552A.
Identifiers: ClinVar variation 457025 (VCV000457025.5), dbSNP rs1554403792, ClinGen allele CA357912404.